The following is an entry in ClinVar:

ClinVar aggregate classification (germline): Uncertain significance. Review status: criteria provided, multiple submitters, no conflicts (2 of 4 stars). 2 submissions from 2 submitters: Uncertain significance (2). Last evaluated 2023-03-01.

Conditions:
Cardiovascular phenotype. Identifiers: MedGen CN230736.

Allele frequency attached by ClinVar (database versions not stated): gnomAD exomes below 0.00001; TOPMed 0.00001.
gnomAD v4.1: 2 of 1,611,882 alleles (0.00012%); highest among the groups gnomAD compares: Non-Finnish European, 0.00017%; no homozygotes.

Submissions (2):

Revvity Omics, Revvity
Classification: Uncertain significance. Last evaluated: 2023-03-01. Review status: criteria provided, single submitter. Criteria: ACMG Guidelines, 2015. Collection method: clinical testing. Allele origin: germline.

Ambry Genetics
Classification: Uncertain significance for Cardiovascular phenotype. Last evaluated: 2020-02-25. Review status: criteria provided, single submitter. Criteria: Ambry Variant Classification Scheme 2023. Collection method: clinical testing. Allele origin: germline.
Comment: The p.P9365S variant (also known as c.28093C>T), located in coding exon 112 of the TTN gene, results from a C to T substitution at nucleotide position 28093. The proline at codon 9365 is replaced by serine, an amino acid with similar properties. This amino acid position is well conserved in available vertebrate species. In addition, this alteration is predicted to be tolerated by in silico analysis. Since supporting evidence is limited at this time, the clinical significance of this alteration remains unclear.

NM_001267550.2(TTN):c.55288C>T (p.Pro18430Ser)

Genes: TTN (titin; minus strand), TTN-AS1 (TTN antisense RNA 1; plus strand). Cytogenetic location: 2q31.2.
Variant type: single nucleotide variant.
Coding change: c.55288C>T on transcript NM_001267550.2 (MANE Select); coding-DNA position 55288, C replaced by T.
Protein change: p.Pro18430Ser; replaces proline 18430 with serine.
Molecular consequence: missense variant.
Genome position (GRCh38, 1-based): chr2:178,601,896, G>A on the plus strand (C>T on the coding strand, the complement: TTN is on the minus strand). VCF-style: chr2-178601896-G-A. GRCh37 (hg19) VCF-style: chr2-179466623-G-A.
Other names: c.50365C>T, p.Pro16789Ser (NM_001256850.1); c.28093C>T, p.Pro9365Ser (NM_003319.4); c.47584C>T, p.Pro15862Ser (NM_133378.4); c.28468C>T, p.Pro9490Ser (NM_133432.3); c.28669C>T, p.Pro9557Ser (NM_133437.4); short protein forms P16789S, P9365S, P9490S, P9557S, P18430S, P15862S.
Identifiers: ClinVar variation 1796290 (VCV001796290.4), dbSNP rs970752412, ClinGen allele CA60978218.